The following is an entry in ClinVar:

NM_014991.6(WDFY3):c.32C>T (p.Pro11Leu)

Gene: WDFY3 (WD repeat and FYVE domain containing 3; minus strand). Cytogenetic location: 4q21.23.
Variant type: single nucleotide variant.
Coding change: c.32C>T on transcript NM_014991.6 (MANE Select); coding-DNA position 32, C replaced by T.
Protein change: p.Pro11Leu; replaces proline 11 with leucine.
Molecular consequence: missense variant.
Genome position (GRCh38, 1-based): chr4:84,860,560, G>A on the plus strand (C>T on the coding strand, the complement: WDFY3 is on the minus strand). VCF-style: chr4-84860560-G-A. GRCh37 (hg19) VCF-style: chr4-85781713-G-A.
Other names: short protein forms P11L.
Identifiers: ClinVar variation 2497793 (VCV002497793.3), dbSNP rs1760461766, ClinGen allele CA357557343.

ClinVar aggregate classification (germline): Uncertain significance (1 of 4 stars; one submission).

Allele frequency attached by ClinVar (database versions not stated): gnomAD exomes below 0.00001; TOPMed below 0.00001.
gnomAD v4.1: 1 of 1,612,046 alleles (0.000062%); highest among the groups gnomAD compares: Non-Finnish European, 0.000085%; no homozygotes.

Submission:

GeneDx
Classification: Uncertain significance. Last evaluated: 2026-10-18. Review status: criteria provided, single submitter. Criteria: GeneDx Variant Classification Process June 2021. Collection method: clinical testing. Allele origin: germline.
Comment: Not observed at significant frequency in large population cohorts (gnomAD); In silico analysis supports that this missense variant has a deleterious effect on protein structure/function; Has not been previously published as pathogenic or benign to our knowledge